The following is an entry in ClinVar:

NM_001927.4(DES):c.1205T>C (p.Ile402Thr)

Gene: DES (desmin; plus strand). Cytogenetic location: 2q35.
Variant type: single nucleotide variant.
Coding change: c.1205T>C on transcript NM_001927.4 (MANE Select); coding-DNA position 1205, T replaced by C.
Protein change: p.Ile402Thr; replaces isoleucine 402 with threonine.
Molecular consequence: missense variant.
Genome position (GRCh38, 1-based): chr2:219,421,521, T>C. VCF-style: chr2-219421521-T-C. GRCh37 (hg19) VCF-style: chr2-220286243-T-C.
Other names: c.1205T>C (LRG_380t1); short protein forms I402T.
Identifiers: ClinVar variation 201708 (VCV000201708.13), dbSNP rs1553603571, ClinGen allele CA308278.

ClinVar aggregate classification (germline): Conflicting classifications of pathogenicity. Review status: criteria provided, conflicting classifications (1 of 4 stars). 3 submissions from 3 submitters: Pathogenic (1); Uncertain significance (2). Last evaluated 2025-12-01.

Conditions:
Desmin-related myofibrillar myopathy (MFM1). Also called: MYOFIBRILLAR MYOPATHY WITH ARRHYTHMOGENIC RIGHT VENTRICULAR CARDIOMYOPATHY; DESMIN-RELATED MYOPATHY WITH ARRHYTHMOGENIC RIGHT VENTRICULAR CARDIOMYOPATHY; Myofibrillar myopathy 1; Desminopathy; Desmin related myopathy (former name); Desmin storage myopathy (former name). Identifiers: Orphanet 363543, Orphanet 98909, MedGen C1832370, MONDO:0011076, OMIM 601419.
Cardiovascular phenotype. Identifiers: MedGen CN230736.
Dilated cardiomyopathy 1I (CMD1I). Identifiers: Orphanet 154, MedGen C1858154, MONDO:0011482, OMIM 604765.

Submissions (3):

Labcorp Genetics (formerly Invitae), Labcorp
Classification: Pathogenic for Desmin-related myofibrillar myopathy. Last evaluated: 2025-12-01. Review status: criteria provided, single submitter. Criteria: Invitae Variant Classification Sherloc (09022015). Collection method: clinical testing. Allele origin: germline.
Comment: This sequence change replaces isoleucine, which is neutral and non-polar, with threonine, which is neutral and polar, at codon 402 of the DES protein (p.Ile402Thr). This variant is not present in population databases (gnomAD no frequency). This missense change has been observed in individuals with clinical features of autosomal dominant arrhythmogenic cardiomyopathy (PMID: 33373648, 38727660; internal data). ClinVar contains an entry for this variant (Variation ID: 201708). Invitae Evidence Modeling of protein sequence and biophysical properties (such as structural, functional, and spatial information, amino acid conservation, physicochemical variation, residue mobility, and thermodynamic stability) indicates that this missense variant is expected to disrupt DES protein function with a positive predictive value of 95%. Experimental studies are conflicting or provide insufficient evidence to determine the effect of this variant on DES function (PMID: 33373648, 38727660). This variant disrupts the p.Ile402 amino acid residue in DES. Other variant(s) that disrupt this residue have been determined to be pathogenic (internal data). This suggests that this residue is clinically significant, and that variants that disrupt this residue are likely to be disease-causing. For these reasons, this variant has been classified as Pathogenic.

Ambry Genetics
Classification: Uncertain significance for Cardiovascular phenotype. Last evaluated: 2024-09-05. Review status: criteria provided, single submitter. Criteria: Ambry Variant Classification Scheme 2023. Collection method: clinical testing. Allele origin: germline.
Comment: The p.I402T variant (also known as c.1205T>C), located in coding exon 6 of the DES gene, results from a T to C substitution at nucleotide position 1205. The isoleucine at codon 402 is replaced by threonine, an amino acid with similar properties. This alteration has been reported in a subject with dilated cardiomyopathy and a family history of sudden cardiac death; the authors also suggested this alteration may have an impact on protein function (Fischer B et al. Int J Cardiol, 2021 04;329:167-174). This amino acid position is highly conserved in available vertebrate species. In addition, this alteration is predicted to be deleterious by in silico analysis. Since supporting evidence is limited at this time, the clinical significance of this alteration remains unclear.

Victorian Clinical Genetics Services, Murdoch Childrens Research Institute
Classification: Uncertain significance for Dilated cardiomyopathy 1I. Last evaluated: 2023-07-17. Review status: criteria provided, single submitter. Criteria: ACMG Guidelines, 2015. Collection method: clinical testing. Allele origin: germline. Inheritance: Autosomal dominant inheritance. Affected: yes.
Comment: Based on the classification scheme VCGS_Germline_v1.3.4, this variant is classified as VUS-3A. Following criteria are met: 0103 - Dominant negative and loss of function are known mechanisms of disease in this gene and are associated with dilated cardiomyopathy 1I (MIM#604765), myofibrillar myopathy 1 (MIM#601419) and Kaeser type neurogenic scapuloperoneal syndrome (MIM#181400) (PMIDs: 29926427, 33373648). (I) 0108 - This gene is associated with both recessive and dominant disease. The majority of disease-associated DES variants exhibit autosomal dominant inheritance, with rare cases of biallelic truncating and missense variants reported for myopathy (PMID: 29926427). (I) 0200 - Variant is predicted to result in a missense amino acid change from isoleucine to threonine. (I) 0251 - This variant is heterozygous. (I) 0301 - Variant is absent from gnomAD (both v2 and v3). (SP) 0501 - Missense variant consistently predicted to be damaging by multiple in silico tools or highly conserved with a major amino acid change. (SP) 0600 - Variant is located in the annotated coil-2 of the rod domain (PMID: 33373648). (I) 0708 - Other missense variants comparable to the one identified in this case have conflicting previous evidence for pathogenicity. p.(Ile402Asn) has been reported in an individual with DCM (PMID: 25557463). p.(Ile402Ser) has been reported as a VUS by a clinical testing laboratory in a family with third degree heart block and a "weakened/enlarged heart" with arrhythmia (ClinVar, personal communication). (I) 0808 - Previous reports of pathogenicity for this variant are conflicting. This variant has been reported as pathogenic in two unrelated individuals, one with mild heart failure, multiple syncope and mild DCM, and another with isolated cardiomyopathy (PMID: 33373648 and Mahmoodi, E. et al. (2022)). It has also been reported as a VUS by two clinical testing laboratories, including in a family with non‐ischaemic cardiomyopathy (ClinVar, personal communication). (I) 0905 - No published segregation evidence has been identified for this variant. (I) 1002 - This variant has moderate functional evidence supporting abnormal protein function. Co-transfection of wildtype and DES_402Thr in SW-13 cells showed desmin aggregation, although the DES_402Thr filaments formed aggregates separate from the co-transfected wildtype filaments (PMID: 33373648). (SP) 1208 - Inheritance information for this variant is not currently available in this individual. (I) Legend: (SP) - Supporting pathogenic, (I) - Information, (SB) - Supporting benign

Literature cited by the submitters: PubMed 33373648 (cited by 3 submitters); PubMed 38727660 (cited by Labcorp Genetics (formerly Invitae), Labcorp); PubMed 37477868 (cited by Ambry Genetics); PubMed 25557463 (cited by Victorian Clinical Genetics Services, Murdoch Childrens Research Institute); PubMed 29926427 (cited by Victorian Clinical Genetics Services, Murdoch Childrens Research Institute).